The following is an entry in ClinVar:

ClinVar aggregate classification (germline): Likely benign. Review status: criteria provided, multiple submitters, no conflicts (2 of 4 stars). 3 submissions from 3 submitters: Likely benign (3). Last evaluated 2026-01-27.

Conditions:
Short-rib thoracic dysplasia 10 with or without polydactyly (SRTD10). Identifiers: Orphanet 474, MedGen C3810175, MONDO:0014284, OMIM 615630.
Retinitis pigmentosa 71 (RP71). Identifiers: Orphanet 791, MedGen C4225342, MONDO:0014618, OMIM 616394.

Allele frequency attached by ClinVar (database versions not stated): TOPMed 0.00005; gnomAD 0.00007; gnomAD exomes 0.00011 and 0.00012; ExAC 0.00017.
gnomAD v4.1: 174 of 1,604,708 alleles (0.011%); highest among the groups gnomAD compares: Non-Finnish European, 0.011%; no homozygotes.

Submissions (3):

Labcorp Genetics (formerly Invitae), Labcorp
Classification: Likely benign for Retinitis pigmentosa 71; Short-rib thoracic dysplasia 10 with or without polydactyly. Last evaluated: 2026-01-27. Review status: criteria provided, single submitter. Criteria: Invitae Variant Classification Sherloc (09022015). Collection method: clinical testing. Allele origin: germline.

Blueprint Genetics
Classification: Likely benign. Last evaluated: 2024-06-17. Review status: criteria provided, single submitter. Criteria: ACMG Guidelines, 2015. Collection method: clinical testing. Allele origin: germline.

GeneDx
Classification: Likely benign. Last evaluated: 2018-04-30. Review status: criteria provided, single submitter. Criteria: GeneDx Variant Classification (06012015). Collection method: clinical testing. Allele origin: germline. Affected: yes.
Comment: This variant is considered likely benign or benign based on one or more of the following criteria: it is a conservative change, it occurs at a poorly conserved position in the protein, it is predicted to be benign by multiple in silico algorithms, and/or has population frequency not consistent with disease.

NM_015662.3(IFT172):c.1525-19C>T

Gene: IFT172 (intraflagellar transport 172; minus strand). Cytogenetic location: 2p23.3.
Variant type: single nucleotide variant.
Coding change: c.1525-19C>T on transcript NM_015662.3 (MANE Select); 19 bases into the intron before coding-DNA position 1525, C replaced by T.
Molecular consequence: intron variant.
Genome position (GRCh38, 1-based): chr2:27,471,114, G>A on the plus strand (C>T on the coding strand, the complement: IFT172 is on the minus strand). VCF-style: chr2-27471114-G-A. GRCh37 (hg19) VCF-style: chr2-27693981-G-A.
Identifiers: ClinVar variation 682362 (VCV000682362.9), dbSNP rs764463970, ClinGen allele CA1580599.